The following is an entry in ClinVar:

ClinVar aggregate classification (germline): Uncertain significance. Review status: criteria provided, multiple submitters, no conflicts (2 of 4 stars). 3 submissions from 3 submitters: Uncertain significance (3). Last evaluated 2024-10-16.

Conditions:
Developmental and epileptic encephalopathy, 69. Also called: EPILEPTIC ENCEPHALOPATHY, EARLY INFANTILE, 69. Identifiers: MedGen C4748988, MONDO:0032657, OMIM 618285.

Allele frequency attached by ClinVar (database versions not stated): gnomAD 0.00001; gnomAD exomes 0.00001; ExAC 0.00002; TOPMed 0.00002.
gnomAD v4.1: 10 of 1,598,784 alleles (0.00063%); highest among the groups gnomAD compares: African/African-American, 0.0027%; no homozygotes.

Submissions (3):

Labcorp Genetics (formerly Invitae), Labcorp
Classification: Uncertain significance. Last evaluated: 2024-10-16. Review status: criteria provided, single submitter. Criteria: Invitae Variant Classification Sherloc (09022015). Collection method: clinical testing. Allele origin: germline.
Comment: This sequence change replaces glycine, which is neutral and non-polar, with arginine, which is basic and polar, at codon 2246 of the CACNA1E protein (p.Gly2246Arg). The frequency data for this variant in the population databases is considered unreliable, as metrics indicate poor data quality at this position in the gnomAD database. This variant has not been reported in the literature in individuals affected with CACNA1E-related conditions. ClinVar contains an entry for this variant (Variation ID: 932652). Invitae Evidence Modeling of protein sequence and biophysical properties (such as structural, functional, and spatial information, amino acid conservation, physicochemical variation, residue mobility, and thermodynamic stability) has been performed for this missense variant. However, the output from this modeling did not meet the statistical confidence thresholds required to predict the impact of this variant on CACNA1E protein function. In summary, the available evidence is currently insufficient to determine the role of this variant in disease. Therefore, it has been classified as a Variant of Uncertain Significance.

Genome-Nilou Lab
Classification: Uncertain significance for Developmental and epileptic encephalopathy, 69. Last evaluated: 2023-04-11. Review status: criteria provided, single submitter. Criteria: ACMG Guidelines, 2015. Collection method: clinical testing. Allele origin: germline. Affected: no.

CeGaT Center for Human Genetics Tuebingen
Classification: Uncertain significance. Last evaluated: 2020-06-01. Review status: criteria provided, single submitter. Criteria: CeGaT Center For Human Genetics Tuebingen Variant Classification Criteria Version 2. Collection method: clinical testing. Allele origin: germline. Affected: yes. Observed: 3 variant alleles.

NM_001205293.3(CACNA1E):c.6865G>A (p.Gly2289Arg)

Gene: CACNA1E (calcium voltage-gated channel subunit alpha1 E; plus strand). Cytogenetic location: 1q25.3.
Variant type: single nucleotide variant.
Coding change: c.6865G>A on transcript NM_001205293.3 (MANE Select); coding-DNA position 6865, G replaced by A.
Protein change: p.Gly2289Arg; replaces glycine 2289 with arginine.
Molecular consequence: missense variant.
Genome position (GRCh38, 1-based): chr1:181,798,757, G>A. VCF-style: chr1-181798757-G-A. GRCh37 (hg19) VCF-style: chr1-181767893-G-A.
Other names: c.6736G>A, p.Gly2246Arg (NM_000721.4); c.6679G>A, p.Gly2227Arg (NM_001205294.2); short protein forms G2246R, G2227R, G2289R.
Identifiers: ClinVar variation 932652 (VCV000932652.45), dbSNP rs750533768, ClinGen allele CA1276514.